The following is an entry in ClinVar:

ClinVar aggregate classification (germline): Uncertain significance. Review status: criteria provided, multiple submitters, no conflicts (2 of 4 stars). 2 submissions from 2 submitters: Uncertain significance (2). Last evaluated 2026-01-21.

Conditions:
Inborn genetic diseases. Identifiers: MedGen C0950123, MeSH D030342.

Allele frequency attached by ClinVar (database versions not stated): gnomAD exomes 0.00001; ExAC 0.00003; gnomAD 0.00006; TOPMed 0.00007; ESP Exome Variant Server 0.00015; 1000 Genomes Project 0.00020; 1000 Genomes Project 30x 0.00031.
gnomAD v4.1: 27 of 1,613,208 alleles (0.0017%); highest among the groups gnomAD compares: African/African-American, 0.021%; no homozygotes.

Submissions (2):

Women's Health and Genetics/Laboratory Corporation of America, LabCorp
Classification: Uncertain significance. Last evaluated: 2026-01-21. Review status: criteria provided, single submitter. Criteria: LabCorp Variant Classification Summary - May 2015. Collection method: clinical testing. Allele origin: germline.
Comment: Variant summary: MYO3A c.4451G>A (p.Gly1484Glu) results in a non-conservative amino acid change in the encoded protein sequence. Algorithms developed to predict the effect of missense changes on protein structure and function are either unavailable or do not agree on the potential impact of this missense change. The variant allele was found at a frequency of 1.2e-05 in 251260 control chromosomes. The available data on variant occurrences in the general population are insufficient to allow any conclusion about variant significance. To our knowledge, no occurrence of c.4451G>A in individuals affected with MYO3A-related conditions and no experimental evidence demonstrating its impact on protein function have been reported. ClinVar contains an entry for this variant (Variation ID: 2402097). Based on the evidence outlined above, the variant was classified as uncertain significance.

Ambry Genetics
Classification: Uncertain significance for Inborn genetic diseases. Last evaluated: 2022-06-30. Review status: criteria provided, single submitter. Criteria: Ambry Variant Classification Scheme 2023. Collection method: clinical testing. Allele origin: germline.

NM_017433.5(MYO3A):c.4451G>A (p.Gly1484Glu)

Gene: MYO3A (myosin IIIA; plus strand). Cytogenetic location: 10p12.1.
Variant type: single nucleotide variant.
Coding change: c.4451G>A on transcript NM_017433.5 (MANE Select); coding-DNA position 4451, G replaced by A.
Protein change: p.Gly1484Glu; replaces glycine 1484 with glutamic acid.
Molecular consequence: missense variant.
Genome position (GRCh38, 1-based): chr10:26,193,217, G>A. VCF-style: chr10-26193217-G-A. GRCh37 (hg19) VCF-style: chr10-26482146-G-A.
Other names: short protein forms G1484E.
Identifiers: ClinVar variation 2402097 (VCV002402097.3), dbSNP rs150042646, ClinGen allele CA5445472.
Genomic context (GRCh38, chr10:26,193,217, plus strand): 5'-TAATAGTATTTGTAATTAAATACTTGTTTATGATCACCTTTCTTATAGGTGTCTGTAAAG[G>A]AGAGGAGCCAAAAATATTGAGACCCCCAAGACGACCCCGGAAACCCAAAACATTAAATAA-3'
Protein context (NP_059129.3, residues 1474-1494): SQQCLSGVCK[Gly1484Glu]EEPKILRPPR